The following is an entry in ClinVar:

NM_014159.7(SETD2):c.4200T>C (p.Asp1400=)

Gene: SETD2 (SET domain containing 2, histone lysine methyltransferase; minus strand). Cytogenetic location: 3p21.31.
Variant type: single nucleotide variant.
Coding change: c.4200T>C on transcript NM_014159.7 (MANE Select); coding-DNA position 4200, T replaced by C.
Protein change: p.Asp1400=; no amino-acid change (aspartic acid 1400 retained).
Molecular consequence: synonymous variant. On other transcripts: non-coding transcript variant (1).
Genome position (GRCh38, 1-based): chr3:47,120,436, A>G on the plus strand (T>C on the coding strand, the complement: SETD2 is on the minus strand). VCF-style: chr3-47120436-A-G. GRCh37 (hg19) VCF-style: chr3-47161926-A-G.
Other names: c.4068T>C, p.Asp1356= (NM_001349370.3).
Identifiers: ClinVar variation 2653747 (VCV002653747.24), dbSNP rs1442033870, ClinGen allele CA433601161.

ClinVar aggregate classification (germline): Likely benign (1 of 4 stars; one submission).

Allele frequency attached by ClinVar (database versions not stated): gnomAD exomes below 0.00001; TOPMed 0.00001.
gnomAD v4.1: 3 of 1,613,022 alleles (0.00019%); highest among the groups gnomAD compares: Middle Eastern, 0.017%; no homozygotes.

Submission:

CeGaT Center for Human Genetics Tuebingen
Classification: Likely benign. Last evaluated: 2022-04-01. Review status: criteria provided, single submitter. Criteria: CeGaT Center For Human Genetics Tuebingen Variant Classification Criteria Version 2. Collection method: clinical testing. Allele origin: germline. Affected: yes. Observed: 1 variant allele.
Comment: SETD2: PM2:Supporting, BP4, BP7